The following is an entry in ClinVar:

NM_001122630.2(CDKN1C):c.637_652delinsCCC (p.Ala213fs)

Gene: CDKN1C (cyclin dependent kinase inhibitor 1C; minus strand). Cytogenetic location: 11p15.4.
Variant type: Indel.
Coding change: c.637_652delinsCCC on transcript NM_001122630.2 (MANE Select); coding-DNA positions 637 to 652, GCCGAGCAGGGCGCGA replaced by CCC.
Protein change: p.Ala213fs; shifts the reading frame from alanine 213.
Molecular consequence: frameshift variant. On other transcripts: intron variant (1).
Genome position (GRCh38, 1-based): chr11:2,884,805-2,884,820, TCGCGCCCTGCTCGGC replaced by GGG on the plus strand (GCCGAGCAGGGCGCGA replaced by CCC on the coding strand, the reverse complement: CDKN1C is on the minus strand). VCF-style: chr11-2884805-TCGCGCCCTGCTCGGC-GGG. GRCh37 (hg19) VCF-style: chr11-2906035-TCGCGCCCTGCTCGGC-GGG.
Other names: c.670_685delinsCCC, p.Ala224fs (NM_000076.2, NM_001362474.2); c.637_652delinsCCC, p.Ala213fs (NM_001122631.2); c.255+382_255+397delinsCCC (NM_001362475.2); short protein forms A213fs, A224fs.
Identifiers: ClinVar variation 978217 (VCV000978217.1), dbSNP rs1848926281, ClinGen allele CA1139661756.

ClinVar aggregate classification (germline): Pathogenic (1 of 4 stars; one submission).

Conditions:
Beckwith-Wiedemann syndrome (BWS). Also called: Exomphalos macroglossia gigantism syndrome; EMG SYNDROME. Identifiers: Orphanet 116, MedGen C0004903, MONDO:0007534, OMIM 130650.

Submission:

Medical Genetics Laboratory, West China Hospital, Sichuan University
Classification: Pathogenic for Beckwith-Wiedemann syndrome. Review status: criteria provided, single submitter. Criteria: ACMG Guidelines, 2015. Collection method: clinical testing. Allele origin: maternal. Inheritance: Mitochondrial inheritance. Affected: yes.
Comment: This delins variant results in a frame-shift mutation (p.A213pfs*55), causing loss of function (LOF), for the CDKN1C encoded protein. CDKN1C locates in the region 11p15 and it is paternally imprinted in humans with preferential expression of the maternal allele. Maternally inherited CDKN1C-LOF mutation is found to contribute to Beckwith-Wiedemann Syndrome (BWS), the first manifestation of which is omphalocele.